The following is an entry in ClinVar:

NM_001083619.3(GRIA2):c.666+6C>T

Gene: GRIA2 (glutamate ionotropic receptor AMPA type subunit 2; plus strand). Cytogenetic location: 4q32.1.
Variant type: single nucleotide variant.
Coding change: c.666+6C>T on transcript NM_001083619.3 (MANE Select); 6 bases into the intron after coding-DNA position 666, C replaced by T.
Molecular consequence: intron variant.
Genome position (GRCh38, 1-based): chr4:157,312,881, C>T. VCF-style: chr4-157312881-C-T. GRCh37 (hg19) VCF-style: chr4-158234033-C-T.
Other names: c.525+6C>T (NM_001379000.3, NM_001379001.3, NM_001083620.3); c.666+6C>T (NM_000826.6).
Identifiers: ClinVar variation 4873971 (VCV004873971.2).
Genomic context (GRCh38, chr4:157,312,881, plus strand): 5'-ACGGCGTGTAATTCTGGACTGTGAAAGGGATAAAGTAAACGACATTGTAGACCAGGTTTG[C>T]TACTTTCTGTTTTCTAATGATGCCAGATATAGAATATGCATGCAATGTCAGCATTTGCAA-3'

ClinVar aggregate classification (germline): Likely benign (1 of 4 stars; one submission).

gnomAD v4.1: 7 of 1,530,474 alleles (0.00046%); highest among the groups gnomAD compares: Admixed American, 0.0077%; no homozygotes.

Submission:

CeGaT Center for Human Genetics Tuebingen
Classification: Likely benign. Last evaluated: 2026-05-01. Review status: criteria provided, single submitter. Criteria: CeGaT Center For Human Genetics Tuebingen Variant Classification Criteria Version 2. Collection method: clinical testing. Allele origin: germline. Affected: yes. Observed: 1 variant allele.
Comment: GRIA2: BP4